The following is an entry in ClinVar:

ClinVar aggregate classification (germline): Uncertain significance (1 of 4 stars; one submission).

Allele frequency attached by ClinVar (database versions not stated): gnomAD exomes 0.00002; ExAC 0.00004; gnomAD 0.00001.
gnomAD v4.1: 11 of 1,608,412 alleles (0.00068%); highest among the groups gnomAD compares: Admixed American, 0.018%; no homozygotes.

Submission:

Labcorp Genetics (formerly Invitae), Labcorp
Classification: Uncertain significance. Last evaluated: 2024-10-21. Review status: criteria provided, single submitter. Criteria: Invitae Variant Classification Sherloc (09022015). Collection method: clinical testing. Allele origin: germline.
Comment: This sequence change replaces asparagine, which is neutral and polar, with isoleucine, which is neutral and non-polar, at codon 1163 of the OBSL1 protein (p.Asn1163Ile). This variant is present in population databases (rs747360337, gnomAD 0.03%). This variant has not been reported in the literature in individuals affected with OBSL1-related conditions. ClinVar contains an entry for this variant (Variation ID: 2080499). An algorithm developed to predict the effect of missense changes on protein structure and function (PolyPhen-2) suggests that this variant is likely to be disruptive. In summary, the available evidence is currently insufficient to determine the role of this variant in disease. Therefore, it has been classified as a Variant of Uncertain Significance.

NM_015311.3(OBSL1):c.3488A>T (p.Asn1163Ile)

Gene: OBSL1 (obscurin like cytoskeletal adaptor 1; minus strand). Cytogenetic location: 2q35.
Variant type: single nucleotide variant.
Coding change: c.3488A>T on transcript NM_015311.3 (MANE Select); coding-DNA position 3488, A replaced by T.
Protein change: p.Asn1163Ile; replaces asparagine 1163 with isoleucine.
Molecular consequence: missense variant.
Genome position (GRCh38, 1-based): chr2:219,558,198, T>A on the plus strand (A>T on the coding strand, the complement: OBSL1 is on the minus strand). VCF-style: chr2-219558198-T-A. GRCh37 (hg19) VCF-style: chr2-220422920-T-A.
Other names: c.3488A>T, p.Asn1163Ile (NM_001173431.2); short protein forms N1163I.
Identifiers: ClinVar variation 2080499 (VCV002080499.3), dbSNP rs747360337, ClinGen allele CA2130851.